The following is an entry in ClinVar:

ClinVar aggregate classification (germline): Uncertain significance (1 of 4 stars; one submission).

Submission:

GeneDx
Classification: Uncertain significance. Last evaluated: 2024-01-24. Review status: criteria provided, single submitter. Criteria: GeneDx Variant Classification Process June 2021. Collection method: clinical testing. Allele origin: germline. Affected: yes.
Comment: Not observed at significant frequency in large population cohorts (gnomAD); In silico analysis supports that this missense variant has a deleterious effect on protein structure/function; Has not been previously published as pathogenic or benign to our knowledge

NM_002971.6(SATB1):c.552G>T (p.Trp184Cys)

Gene: SATB1 (SATB homeobox 1; minus strand). Cytogenetic location: 3p24.3.
Variant type: single nucleotide variant.
Coding change: c.552G>T on transcript NM_002971.6 (MANE Select); coding-DNA position 552, G replaced by T.
Protein change: p.Trp184Cys; replaces tryptophan 184 with cysteine.
Molecular consequence: missense variant.
Genome position (GRCh38, 1-based): chr3:18,415,198, C>A on the plus strand (G>T on the coding strand, the complement: SATB1 is on the minus strand). VCF-style: chr3-18415198-C-A. GRCh37 (hg19) VCF-style: chr3-18456690-C-A.
Other names: c.552G>T, p.Trp184Cys (NM_001131010.4, NM_001195470.3, NM_001322871.2 and 4 more transcripts); c.336G>T, p.Trp112Cys (NM_001322876.2); short protein forms W112C, W184C.
Identifiers: ClinVar variation 3368271 (VCV003368271.1).
Genomic context (GRCh38, chr3:18,415,198, plus strand): 5'-TGAACTCTGATTCATATCTTTCAGTAAGTCCTTCAGAGCATTCCTCACTGTGGTGTGCGA[C>A]CATTGTTCGGGAGGCAAGTCTTCTAGTTTGGGGCAACTATTTGAGACATAGATTAGAAAG-3'
Protein context (NP_002962.1, residues 174-194): PKLEDLPPEQ[Trp184Cys]SHTTVRNALK